The following is an entry in ClinVar:

NM_002834.5(PTPN11):c.879C>T (p.His293=)

Gene: PTPN11 (protein tyrosine phosphatase non-receptor type 11; plus strand). Cytogenetic location: 12q24.13.
Variant type: single nucleotide variant.
Coding change: c.879C>T on transcript NM_002834.5 (MANE Select); coding-DNA position 879, C replaced by T.
Protein change: p.His293=; no amino-acid change (histidine 293 retained).
Molecular consequence: synonymous variant.
Genome position (GRCh38, 1-based): chr12:112,477,676, C>T. VCF-style: chr12-112477676-C-T. GRCh37 (hg19) VCF-style: chr12-112915480-C-T.
Other names: p.H293H; p.His293=; c.879C>T, p.His293= (NM_001330437.2, NM_080601.3); c.876C>T, p.His292= (NM_001374625.1).
Identifiers: ClinVar variation 40534 (VCV000040534.29), dbSNP rs117730996, ClinGen allele CA282101.

ClinVar aggregate classification (germline): Benign/Likely benign. Review status: criteria provided, multiple submitters, no conflicts (2 of 4 stars). 10 submissions from 10 submitters: Benign (3); Likely benign (7). Last evaluated 2026-09-21.

Conditions:
Cardiovascular phenotype. Identifiers: MedGen CN230736.
RASopathy. Also called: rasopathies; Noonan spectrum disorder. Identifiers: Orphanet 536391, MedGen C5555857, MONDO:0021060.
Metachondromatosis (METCDS). Identifiers: Orphanet 2499, MedGen C0410530, MONDO:0007979, OMIM 156250.

Allele frequency attached by ClinVar (database versions not stated): gnomAD 0.00003; TOPMed 0.00003.
gnomAD v4.1: 43 of 1,612,894 alleles (0.0027%); highest among the groups gnomAD compares: South Asian, 0.0088%; no homozygotes.

Submissions (10):

Molecular Diagnostic Laboratory for Inherited Cardiovascular Disease, Montreal Heart Institute
Classification: Likely benign. Last evaluated: 2026-09-21. Review status: criteria provided, single submitter. Criteria: ACMG Guidelines, 2015. Collection method: clinical testing. Allele origin: germline. Affected: no.
Comment: BS1;BP7

Labcorp Genetics (formerly Invitae), Labcorp
Classification: Likely benign for RASopathy. Last evaluated: 2025-12-09. Review status: criteria provided, single submitter. Criteria: Invitae Variant Classification Sherloc (09022015). Collection method: clinical testing. Allele origin: germline.

CeGaT Center for Human Genetics Tuebingen
Classification: Likely benign. Last evaluated: 2025-12-01. Review status: criteria provided, single submitter. Criteria: CeGaT Center For Human Genetics Tuebingen Variant Classification Criteria Version 2. Collection method: clinical testing. Allele origin: germline. Affected: yes. Observed: 1 variant allele.
Comment: PTPN11: BP4, BP7

Mayo Clinic Laboratories, Mayo Clinic
Classification: Likely benign. Last evaluated: 2025-10-21. Review status: criteria provided, single submitter. Criteria: ACMG Guidelines, 2015. Collection method: clinical testing. Allele origin: germline. Observed: 1 variant allele.
Comment: BP4, BP7

KCCC/NGS Laboratory, Kuwait Cancer Control Center
Classification: Benign for Metachondromatosis. Last evaluated: 2025-02-01. Review status: criteria provided, single submitter. Criteria: ACMG Guidelines, 2015. Collection method: clinical testing. Allele origin: germline. Affected: no.

Blueprint Genetics
Classification: Likely benign. Last evaluated: 2023-11-07. Review status: criteria provided, single submitter. Criteria: ACMG Guidelines, 2015. Collection method: clinical testing. Allele origin: germline.

Ambry Genetics
Classification: Likely benign for Cardiovascular phenotype. Last evaluated: 2023-10-19. Review status: criteria provided, single submitter. Criteria: Ambry Variant Classification Scheme 2023. Collection method: clinical testing. Allele origin: germline.

Genetic Services Laboratory, University of Chicago
Classification: Likely benign. Last evaluated: 2020-08-20. Review status: criteria provided, single submitter. Criteria: ACMG Guidelines, 2015. Collection method: clinical testing. Allele origin: germline. Affected: no.

GeneDx
Classification: Benign. Last evaluated: 2015-03-03. Review status: criteria provided, single submitter. Criteria: GeneDx Variant Classification Process June 2021. Collection method: clinical testing. Allele origin: germline. Affected: yes.

PreventionGenetics, part of Exact Sciences
Classification: Benign. Review status: criteria provided, single submitter. Criteria: ACMG Guidelines, 2015. Collection method: clinical testing. Allele origin: germline.